The following is an entry in ClinVar:

ClinVar aggregate classification (germline): Likely benign. Review status: criteria provided, multiple submitters, no conflicts (2 of 4 stars). 2 submissions from 2 submitters: Likely benign (2). Last evaluated 2026-09-01.

gnomAD v4.1: 380 of 1,577,378 alleles (0.024%); highest among the groups gnomAD compares: Middle Eastern, 0.34%; 4 homozygotes.

Submissions (2):

CeGaT Center for Human Genetics Tuebingen
Classification: Likely benign. Last evaluated: 2026-09-01. Review status: criteria provided, single submitter. Criteria: CeGaT Center For Human Genetics Tuebingen Variant Classification Criteria Version 2. Collection method: clinical testing. Allele origin: germline. Affected: yes. Observed: 1 variant allele.
Comment: MTSS2: BP4, BP7

Blueprint Genetics
Classification: Likely benign. Last evaluated: 2024-11-22. Review status: criteria provided, single submitter. Criteria: ACMG Guidelines, 2015. Collection method: clinical testing. Allele origin: germline.

NM_138383.3(MTSS2):c.2241A>G (p.Leu747=)

Gene: MTSS2 (MTSS I-BAR domain containing 2; minus strand). Cytogenetic location: 16q22.1.
Variant type: single nucleotide variant.
Coding change: c.2241A>G on transcript NM_138383.3 (MANE Select); coding-DNA position 2241, A replaced by G.
Protein change: p.Leu747=; no amino-acid change (leucine 747 retained).
Molecular consequence: synonymous variant.
Genome position (GRCh38, 1-based): chr16:70,663,680, T>C on the plus strand (A>G on the coding strand, the complement: MTSS2 is on the minus strand). VCF-style: chr16-70663680-T-C. GRCh37 (hg19) VCF-style: chr16-70697583-T-C.
Identifiers: ClinVar variation 4930733 (VCV004930733.2).